The following is an entry in ClinVar:

Conditions:
Breast-ovarian cancer, familial, susceptibility to, 1 (BROVCA1). Also called: BRCA1 Hereditary Breast and Ovarian Cancer; OVARIAN CANCER, SUSCEPTIBILITY TO. Identifiers: Orphanet 145, MedGen C2676676, MONDO:0011450, OMIM 604370. Disease mechanism: loss of function.

Submission:

Brotman Baty Institute, University of Washington
No classification provided (evidence only). Condition: Breast-ovarian cancer, familial 1. Review status: no classification provided. Collection method: in vitro. Allele origin: not applicable. Functional consequence: functionally_normal.
ClinVar note: "not provided" was previously submitted as the classification for the variant. However, the classification appeared to be based only on an observation of functional data so it was converted to no classification on 2025-07-30.

NM_007294.4(BRCA1):c.-5A>G

Gene: BRCA1 (BRCA1 DNA repair associated; minus strand). Cytogenetic location: 17q21.31.
Variant type: single nucleotide variant.
Coding change: c.-5A>G on transcript NM_007294.4 (MANE Select); 5 bases upstream of the start codon, A replaced by G.
Molecular consequence: 5 prime UTR variant. On other transcripts: non-coding transcript variant (1).
Genome position (GRCh38, 1-based): chr17:43,124,101, T>C on the plus strand (A>G on the coding strand, the complement: BRCA1 is on the minus strand). VCF-style: chr17-43124101-T-C. GRCh37 (hg19) VCF-style: chr17-41276118-T-C.
Other names: c.-193A>G (NM_001407571.1, NM_001407853.1, NM_001407879.1 and 46 more transcripts); c.-5A>G (NM_001407581.1, NM_001407582.1, NM_001407583.1 and 193 more transcripts); c.-262A>G (NM_001407694.1, NM_001407724.1, NM_001407727.1 and 11 more transcripts); c.-266A>G (NM_001407695.1, NM_001408465.1); c.-407A>G (NM_001407696.1); c.-291A>G (NM_001407697.1, NM_001407846.1, NM_001407920.1); c.-92A>G (NM_001407698.1, NM_001407732.1, NM_001407736.1 and 23 more transcripts); c.-265A>G (NM_001407725.1, NM_001407730.1, NM_001407734.1 and 22 more transcripts); and 8 more.
Identifiers: ClinVar variation 869046 (VCV000869046.3), dbSNP rs1567823528, ClinGen allele CA916081142.
Genomic context (GRCh38, chr17:43,124,101, plus strand): 5'-TGCATAGCATTAATGACATTTTGTACTTCTTCAACGCGAAGAGCAGATAAATCCATTTCT[T>C]TCTGTTCCAATGAACTTTAACACATTAGAAAAACATATATATATATCTTTTTAAAAGGTT-3'